The following is an entry in ClinVar:

NM_017617.5(NOTCH1):c.3017C>T (p.Thr1006Ile)

Gene: NOTCH1 (notch receptor 1; minus strand). Cytogenetic location: 9q34.3.
Variant type: single nucleotide variant.
Coding change: c.3017C>T on transcript NM_017617.5 (MANE Select); coding-DNA position 3017, C replaced by T.
Protein change: p.Thr1006Ile; replaces threonine 1006 with isoleucine.
Molecular consequence: missense variant.
Genome position (GRCh38, 1-based): chr9:136,509,024, G>A on the plus strand (C>T on the coding strand, the complement: NOTCH1 is on the minus strand). VCF-style: chr9-136509024-G-A. GRCh37 (hg19) VCF-style: chr9-139403476-G-A.
Other names: short protein forms T1006I.
Identifiers: ClinVar variation 945212 (VCV000945212.13), dbSNP rs367860186, ClinGen allele CA5341068.

ClinVar aggregate classification (germline): Conflicting classifications of pathogenicity. Review status: criteria provided, conflicting classifications (1 of 4 stars). 3 submissions from 3 submitters: Uncertain significance (2); Likely benign (1). Last evaluated 2025-11-24.

Conditions:
Familial thoracic aortic aneurysm and aortic dissection (TAAD). Also called: Thoracic aortic aneurysms and dissections. Identifiers: Orphanet 91387, MedGen C4707243, MONDO:0019625.
Adams-Oliver syndrome 5 (AOS5). Identifiers: Orphanet 974, MedGen C4014970, MONDO:0014459, OMIM 616028.

Allele frequency attached by ClinVar (database versions not stated): gnomAD exomes below 0.00001 and 0.00001; gnomAD 0.00003 and 0.00004; TOPMed 0.00003; ExAC 0.00005; ESP Exome Variant Server 0.00008.
gnomAD v4.1: 7 of 1,563,496 alleles (0.00045%); highest among the groups gnomAD compares: African/African-American, 0.0095%; no homozygotes.

Submissions (3):

Labcorp Genetics (formerly Invitae), Labcorp
Classification: Likely benign for Adams-Oliver syndrome 5. Last evaluated: 2025-11-24. Review status: criteria provided, single submitter. Criteria: Invitae Variant Classification Sherloc (09022015). Collection method: clinical testing. Allele origin: germline.

Ambry Genetics
Classification: Uncertain significance for Familial thoracic aortic aneurysm and aortic dissection. Last evaluated: 2025-08-30. Review status: criteria provided, single submitter. Criteria: Ambry Variant Classification Scheme 2023. Collection method: clinical testing. Allele origin: germline.

GeneDx
Classification: Uncertain significance. Last evaluated: 2022-09-01. Review status: criteria provided, single submitter. Criteria: GeneDx Variant Classification Process June 2021. Collection method: clinical testing. Allele origin: germline. Affected: yes.
Comment: Not observed at significant frequency in large population cohorts (gnomAD); In silico analysis supports that this missense variant has a deleterious effect on protein structure/function; Has not been previously published as pathogenic or benign to our knowledge